The following is an entry in ClinVar:

ClinVar aggregate classification (germline): Pathogenic (1 of 4 stars; one submission).

Conditions:
Fucosidosis. Also called: ALPHA-L-FUCOSIDASE DEFICIENCY. Identifiers: Orphanet 349, MedGen C0016788, MONDO:0009254, OMIM 230000.

Submission:

Labcorp Genetics (formerly Invitae), Labcorp
Classification: Pathogenic for Fucosidosis. Last evaluated: 2023-02-03. Review status: criteria provided, single submitter. Criteria: Invitae Variant Classification Sherloc (09022015). Collection method: clinical testing. Allele origin: unknown.
Comment: This variant is a gross deletion of the genomic region encompassing exon(s) 3-5 of the FUCA1 gene. This deletion is out-of-frame, and is expected to create a premature termination codon and result in an absent or disrupted protein product. Loss-of-function variants in FUCA1 are known to be pathogenic (PMID: 10094192). This variant has not been reported in the literature in individuals affected with FUCA1-related conditions. For these reasons, this variant has been classified as Pathogenic.

Literature cited by the submitters: PubMed 10094192.

NC_000001.10:g.(?_24180830)_(24189781_?)del

Gene: FUCA1 (alpha-L-fucosidase 1; minus strand). Cytogenetic location: 1p36.11.
Variant type: Deletion.
Identifiers: ClinVar variation 3247630 (VCV003247630.1).